The following is an entry in ClinVar:

ClinVar aggregate classification (germline): Pathogenic/Likely pathogenic. Review status: criteria provided, multiple submitters, no conflicts (2 of 4 stars). 2 submissions from 2 submitters: Pathogenic (1); Likely pathogenic (1). Last evaluated 2025-05-22.

Conditions:
Microcephaly-intellectual disability-sensorineural hearing loss-epilepsy-abnormal muscle tone syndrome (NEDHSB). Also called: NEURODEVELOPMENTAL DISORDER WITH HEARING LOSS, SEIZURES, AND BRAIN ABNORMALITIES. Identifiers: Orphanet 457351, MedGen C4225276, MONDO:0014698, OMIM 616577.

Allele frequency attached by ClinVar (database versions not stated): TOPMed 0.00001; gnomAD exomes 0.00001 and below 0.00001; gnomAD 0.00002.
gnomAD v4.1: 6 of 1,613,476 alleles (0.00037%); highest among the groups gnomAD compares: African/African-American, 0.0053%; no homozygotes.

Submissions (2):

Labcorp Genetics (formerly Invitae), Labcorp
Classification: Pathogenic for Microcephaly-intellectual disability-sensorineural hearing loss-epilepsy-abnormal muscle tone syndrome. Last evaluated: 2025-05-22. Review status: criteria provided, single submitter. Criteria: Invitae Variant Classification Sherloc (09022015). Collection method: clinical testing. Allele origin: germline.
Comment: This sequence change creates a premature translational stop signal (p.Arg514*) in the SPATA5 gene. It is expected to result in an absent or disrupted protein product. Loss-of-function variants in SPATA5 are known to be pathogenic (PMID: 26299366). This variant is present in population databases (no rsID available, gnomAD 0.01%). This variant has not been reported in the literature in individuals affected with SPATA5-related conditions. ClinVar contains an entry for this variant (Variation ID: 856522). For these reasons, this variant has been classified as Pathogenic.

Fulgent Genetics
Classification: Likely pathogenic for Microcephaly-intellectual disability-sensorineural hearing loss-epilepsy-abnormal muscle tone syndrome. Last evaluated: 2021-08-03. Review status: criteria provided, single submitter. Criteria: ACMG Guidelines, 2015. Collection method: clinical testing. Allele origin: unknown.

Literature cited by the submitters: PubMed 26299366 (cited by Labcorp Genetics (formerly Invitae), Labcorp).

NM_145207.3(AFG2A):c.1540C>T (p.Arg514Ter)

Gene: AFG2A (AAA ATPase AFG2A; plus strand). Cytogenetic location: 4q28.1.
Variant type: single nucleotide variant.
Coding change: c.1540C>T on transcript NM_145207.3 (MANE Select); coding-DNA position 1540, C replaced by T.
Protein change: p.Arg514Ter; replaces arginine 514 with a stop codon.
Molecular consequence: nonsense.
Genome position (GRCh38, 1-based): chr4:122,947,314, C>T. VCF-style: chr4-122947314-C-T. GRCh37 (hg19) VCF-style: chr4-123868469-C-T.
Other names: c.1537C>T, p.Arg513Ter (NM_001317799.2, NM_001345856.2); short protein forms R513*, R514*.
Identifiers: ClinVar variation 856522 (VCV000856522.10), dbSNP rs1446807404, ClinGen allele CA358108193.